The following is an entry in ClinVar:

ClinVar aggregate classification (germline): Uncertain significance (1 of 4 stars; one submission).

Conditions:
Cardiovascular phenotype. Identifiers: MedGen CN230736.

Submission:

Ambry Genetics
Classification: Uncertain significance for Cardiovascular phenotype. Last evaluated: 2026-01-02. Review status: criteria provided, single submitter. Criteria: Ambry Variant Classification Scheme 2023. Collection method: clinical testing. Allele origin: germline.
Comment: The p.S757L variant (also known as c.2270C>T), located in coding exon 14 of the SOS1 gene, results from a C to T substitution at nucleotide position 2270. The serine at codon 757 is replaced by leucine, an amino acid with dissimilar properties. This amino acid position is conserved. In addition, this alteration is predicted to be tolerated by in silico analysis. Based on the available evidence, the clinical significance of this variant remains unclear.

NM_005633.4(SOS1):c.2270C>T (p.Ser757Leu)

Gene: SOS1 (SOS Ras/Rac guanine nucleotide exchange factor 1; minus strand). Cytogenetic location: 2p22.1.
Variant type: single nucleotide variant.
Coding change: c.2270C>T on transcript NM_005633.4 (MANE Select); coding-DNA position 2270, C replaced by T.
Protein change: p.Ser757Leu; replaces serine 757 with leucine.
Molecular consequence: missense variant.
Genome position (GRCh38, 1-based): chr2:39,012,246, G>A on the plus strand (C>T on the coding strand, the complement: SOS1 is on the minus strand). VCF-style: chr2-39012246-G-A. GRCh37 (hg19) VCF-style: chr2-39239387-G-A.
Other names: c.2249C>T, p.Ser750Leu (NM_001382394.1); c.2270C>T, p.Ser757Leu (NM_001382395.1); short protein forms S757L, S750L.
Identifiers: ClinVar variation 4843843 (VCV004843843.1).